The following is an entry in ClinVar:

ClinVar aggregate classification (germline): Uncertain significance. Review status: criteria provided, single submitter (1 of 4 stars). 2 submissions from 2 submitters: Uncertain significance (1). 1 of the submissions does not count toward it. Last evaluated 2025-04-14.

Conditions:
SMARCA4-related disorder. Also called: SMARCA4-related condition.
Rhabdoid tumor predisposition syndrome 2 (RTPS2). Identifiers: Orphanet 231108, Orphanet 69077, MedGen C2750074, MONDO:0013224, OMIM 613325.

Submissions (2):

Labcorp Genetics (formerly Invitae), Labcorp
Classification: Uncertain significance for Rhabdoid tumor predisposition syndrome 2. Last evaluated: 2025-04-14. Review status: criteria provided, single submitter. Criteria: Invitae Variant Classification Sherloc (09022015). Collection method: clinical testing. Allele origin: germline.
Comment: This sequence change replaces serine, which is neutral and polar, with threonine, which is neutral and polar, at codon 1441 of the SMARCA4 protein (p.Ser1441Thr). This variant is not present in population databases (gnomAD no frequency). This variant has not been reported in the literature in individuals affected with SMARCA4-related conditions. ClinVar contains an entry for this variant (Variation ID: 2892160). Invitae Evidence Modeling of protein sequence and biophysical properties (such as structural, functional, and spatial information, amino acid conservation, physicochemical variation, residue mobility, and thermodynamic stability) indicates that this missense variant is not expected to disrupt SMARCA4 protein function with a negative predictive value of 95%. In summary, the available evidence is currently insufficient to determine the role of this variant in disease. Therefore, it has been classified as a Variant of Uncertain Significance.

PreventionGenetics, part of Exact Sciences
Classification: Uncertain significance for SMARCA4-related condition. Last evaluated: 2024-04-13. Review status: no assertion criteria provided. Collection method: clinical testing. Allele origin: germline. Not counted in ClinVar's aggregate classification.
Comment: The SMARCA4 c.4321T>A variant is predicted to result in the amino acid substitution p.Ser1441Thr. To our knowledge, this variant has not been reported in the literature or in a large population database, indicating this variant is rare. At this time, the clinical significance of this variant is uncertain due to the absence of conclusive functional and genetic evidence.

NM_003072.5(SMARCA4):c.4225T>A (p.Ser1409Thr)

Gene: SMARCA4 (SWI/SNF related BAF chromatin remodeling complex subunit ATPase 4; plus strand). Cytogenetic location: 19p13.2.
Variant type: single nucleotide variant.
Coding change: c.4225T>A on transcript NM_003072.5 (MANE Select); coding-DNA position 4225, T replaced by A.
Protein change: p.Ser1409Thr; replaces serine 1409 with threonine.
Molecular consequence: missense variant. On other transcripts: non-coding transcript variant (1).
Genome position (GRCh38, 1-based): chr19:11,041,361, T>A. VCF-style: chr19-11041361-T-A. GRCh37 (hg19) VCF-style: chr19-11152037-T-A.
Other names: c.4225T>A, p.Ser1409Thr (NM_001128844.3); c.4135T>A, p.Ser1379Thr (NM_001128845.2, NM_001128846.2); c.4126T>A, p.Ser1376Thr (NM_001128847.4, NM_001128848.2, NM_001374457.1); c.4321T>A, p.Ser1441Thr (NM_001128849.3, NM_001387283.1); c.4222T>A, p.Ser1408Thr (NM_001411150.1); c.4321T>A (NM_001128849.1); short protein forms S1408T, S1409T, S1376T, S1441T, S1379T.
Identifiers: ClinVar variation 2892160 (VCV002892160.4), dbSNP rs2146814998, ClinGen allele CA404073014.